The following is an entry in ClinVar:

NC_000001.11:g.74336011del

Genes: FPGT-TNNI3K (FPGT-TNNI3K readthrough; plus strand), TNNI3K (TNNI3 interacting kinase; plus strand). Cytogenetic location: 1p31.1.
Variant type: Deletion.
Genome position: GRCh38 VCF-style: chr1-74336009-AG-A. GRCh37 (hg19) VCF-style: chr1-74801693-AG-A.
Identifiers: ClinVar variation 1933044 (VCV001933044.6), dbSNP rs2524332342, ClinGen allele CA2580063304.

ClinVar aggregate classification (germline): Uncertain significance (1 of 4 stars; one submission).

Submission:

Labcorp Genetics (formerly Invitae), Labcorp
Classification: Uncertain significance. Last evaluated: 2025-02-17. Review status: criteria provided, single submitter. Criteria: Invitae Variant Classification Sherloc (09022015). Collection method: clinical testing. Allele origin: germline.
Comment: This sequence change creates a premature translational stop signal (p.Val182*) in the TNNI3K gene. It is expected to result in an absent or disrupted protein product. However, the current clinical and genetic evidence is not sufficient to establish whether loss-of-function variants in TNNI3K cause disease. This variant is not present in population databases (gnomAD no frequency). This variant has not been reported in the literature in individuals affected with TNNI3K-related conditions. ClinVar contains an entry for this variant (Variation ID: 1933044). Algorithms developed to predict the effect of sequence changes on RNA splicing suggest that this variant may disrupt the consensus splice site. In summary, the available evidence is currently insufficient to determine the role of this variant in disease. Therefore, it has been classified as a Variant of Uncertain Significance.